The following is an entry in ClinVar:

NM_000548.5(TSC2):c.3393G>T (p.Met1131Ile)

Gene: TSC2 (TSC complex subunit 2; plus strand). Cytogenetic location: 16p13.3.
Variant type: single nucleotide variant.
Coding change: c.3393G>T on transcript NM_000548.5 (MANE Select); coding-DNA position 3393, G replaced by T.
Protein change: p.Met1131Ile; replaces methionine 1131 with isoleucine.
Molecular consequence: missense variant.
Genome position (GRCh38, 1-based): chr16:2,079,665, G>T. VCF-style: chr16-2079665-G-T. GRCh37 (hg19) VCF-style: chr16-2129666-G-T.
Other names: c.3261G>T, p.Met1087Ile (NM_001077183.3, NM_001370404.1); c.3393G>T, p.Met1131Ile (NM_001114382.3); c.3153G>T, p.Met1051Ile (NM_001318827.2); c.3117G>T, p.Met1039Ile (NM_001318829.2); c.2661G>T, p.Met887Ile (NM_001318831.2); c.3294G>T, p.Met1098Ile (NM_001318832.2); c.3264G>T, p.Met1088Ile (NM_001363528.2, NM_001370405.1, NM_021055.3); short protein forms M1039I, M1051I, M1087I, M1088I, M1098I, M1131I, M887I.
Identifiers: ClinVar variation 1015445 (VCV001015445.9), dbSNP rs1297504532, ClinGen allele CA394286815.
Genomic context (GRCh38, chr16:2,079,665, plus strand): 5'-GCTGGAGTCCCAGGCTGGGCAGCAGGTGTCCCGTGGGGCCCGGGATCGGGTCCGTTCCAT[G>T]TCGGGTGAGCCTTGGCCCCAGCCACCTCCACACAGGCACCGGGGCTCCCTCAGTTGCTGC-3'
Protein context (NP_000539.2, residues 1121-1141): SRGARDRVRS[Met1131Ile]SGGHGLRVGA

ClinVar aggregate classification (germline): Uncertain significance. Review status: criteria provided, multiple submitters, no conflicts (2 of 4 stars). 2 submissions from 2 submitters: Uncertain significance (2). Last evaluated 2025-01-12.

Conditions:
Isolated focal cortical dysplasia type II (FCORD2). Also called: Focal cortical dysplasia type II; CORTICAL DYSPLASIA OF TAYLOR. Identifiers: Orphanet 268994, MedGen C1846385, MONDO:0011818, OMIM 607341, HP:0032051.
Tuberous sclerosis 2 (TSC2). Identifiers: Orphanet 805, MedGen C1860707, MONDO:0013199, OMIM 613254.

Submissions (2):

Labcorp Genetics (formerly Invitae), Labcorp
Classification: Uncertain significance for Tuberous sclerosis 2. Last evaluated: 2025-01-12. Review status: criteria provided, single submitter. Criteria: Invitae Variant Classification Sherloc (09022015). Collection method: clinical testing. Allele origin: germline.
Comment: This sequence change replaces methionine, which is neutral and non-polar, with isoleucine, which is neutral and non-polar, at codon 1131 of the TSC2 protein (p.Met1131Ile). This variant is not present in population databases (gnomAD no frequency). This variant has not been reported in the literature in individuals affected with TSC2-related conditions. ClinVar contains an entry for this variant (Variation ID: 1015445). Invitae Evidence Modeling of protein sequence and biophysical properties (such as structural, functional, and spatial information, amino acid conservation, physicochemical variation, residue mobility, and thermodynamic stability) indicates that this missense variant is not expected to disrupt TSC2 protein function with a negative predictive value of 95%. In summary, the available evidence is currently insufficient to determine the role of this variant in disease. Therefore, it has been classified as a Variant of Uncertain Significance.

Baylor Genetics
Classification: Uncertain significance for Isolated focal cortical dysplasia type II. Last evaluated: 2023-10-27. Review status: criteria provided, single submitter. Criteria: ACMG Guidelines, 2015. Collection method: clinical testing. Allele origin: unknown.